The following is an entry in ClinVar:

ClinVar aggregate classification (germline): Likely pathogenic (1 of 4 stars; one submission).

Submission:

Labcorp Genetics (formerly Invitae), Labcorp
Classification: Likely pathogenic. Last evaluated: 2023-11-15. Review status: criteria provided, single submitter. Criteria: Invitae Variant Classification Sherloc (09022015). Collection method: clinical testing. Allele origin: germline.
Comment: This sequence change affects an acceptor splice site in intron 13 of the SIN3A gene. It is expected to disrupt RNA splicing. Variants that disrupt the donor or acceptor splice site typically lead to a loss of protein function (PMID: 16199547), and loss-of-function variants in SIN3A are known to be pathogenic (PMID: 27399968). This variant is not present in population databases (gnomAD no frequency). This variant has not been reported in the literature in individuals affected with SIN3A-related conditions. Algorithms developed to predict the effect of sequence changes on RNA splicing suggest that this variant may disrupt the consensus splice site. In summary, the currently available evidence indicates that the variant is pathogenic, but additional data are needed to prove that conclusively. Therefore, this variant has been classified as Likely Pathogenic.

Literature cited by the submitters: PubMed 16199547; PubMed 27399968.

NM_001145358.2(SIN3A):c.2094-1G>A

Gene: SIN3A (SIN3 transcription regulator family member A; minus strand). Cytogenetic location: 15q24.2.
Variant type: single nucleotide variant.
Coding change: c.2094-1G>A on transcript NM_001145358.2 (MANE Select); the canonical splice acceptor site of the intron before coding-DNA position 2094, G replaced by A.
Molecular consequence: splice acceptor variant.
Genome position (GRCh38, 1-based): chr15:75,394,864, C>T on the plus strand (G>A on the coding strand, the complement: SIN3A is on the minus strand). VCF-style: chr15-75394864-C-T. GRCh37 (hg19) VCF-style: chr15-75687205-C-T.
Other names: c.2094-1G>A (NM_001145357.2, NM_015477.3).
Identifiers: ClinVar variation 2696120 (VCV002696120.3), dbSNP rs2073273656, ClinGen allele CA393494960.